The following is an entry in ClinVar:

NM_007157.4(ZXDB):c.235G>C (p.Asp79His)

Gene: ZXDB (zinc finger X-linked duplicated B; plus strand). Cytogenetic location: Xp11.21.
Variant type: single nucleotide variant.
Coding change: c.235G>C on transcript NM_007157.4 (MANE Select); coding-DNA position 235, G replaced by C.
Protein change: p.Asp79His; replaces aspartic acid 79 with histidine.
Molecular consequence: missense variant.
Genome position (GRCh38, 1-based): chrX:57,592,283, G>C. VCF-style: chrX-57592283-G-C. GRCh37 (hg19) VCF-style: chrX-57618716-G-C.
Other names: short protein forms D79H.
Identifiers: ClinVar variation 2660724 (VCV002660724.24), dbSNP rs760187596, ClinGen allele CA10431029.
Genomic context (GRCh38, chrX:57,592,283, plus strand): 5'-CGCGAGGAGGCCAGCACGGCATCACGGGGCCCTGGCCCAAGCCTGTTGGCGCCGAGGACC[G>C]ATCAACCTAGCGGCGGCGGCGGCGGCGGCGGCGACGACTTCTTCCTGGTGCTGCTTGACC-3'
Protein context (NP_009088.1, residues 69-89): PGPSLLAPRT[Asp79His]QPSGGGGGGG

ClinVar aggregate classification (germline): Likely benign (1 of 4 stars; one submission).

Allele frequency attached by ClinVar (database versions not stated): ExAC 0.00046; 1000 Genomes Project 30x 0.00083; 1000 Genomes Project 0.00689.
gnomAD v4.1: 667 of 1,182,144 alleles (0.056%); highest among the groups gnomAD compares: South Asian, 0.14%; 2 homozygotes.

Submission:

CeGaT Center for Human Genetics Tuebingen
Classification: Likely benign. Last evaluated: 2023-02-01. Review status: criteria provided, single submitter. Criteria: CeGaT Center For Human Genetics Tuebingen Variant Classification Criteria Version 2. Collection method: clinical testing. Allele origin: germline. Affected: yes. Observed: 2 variant alleles.
Comment: ZXDB: BS2